The following is an entry in ClinVar:

NM_000081.4(LYST):c.949G>A (p.Glu317Lys)

Gene: LYST (lysosomal trafficking regulator; minus strand). Cytogenetic location: 1q42.3.
Variant type: single nucleotide variant.
Coding change: c.949G>A on transcript NM_000081.4 (MANE Select); coding-DNA position 949, G replaced by A.
Protein change: p.Glu317Lys; replaces glutamic acid 317 with lysine.
Molecular consequence: missense variant.
Genome position (GRCh38, 1-based): chr1:235,809,869, C>T on the plus strand (G>A on the coding strand, the complement: LYST is on the minus strand). VCF-style: chr1-235809869-C-T. GRCh37 (hg19) VCF-style: chr1-235973169-C-T.
Other names: c.949G>A (NM_000081.2); c.949G>A, p.Glu317Lys (NM_001301365.1); short protein forms E317K.
Identifiers: ClinVar variation 801637 (VCV000801637.13), dbSNP rs201337542, ClinGen allele CA1467535.
Genomic context (GRCh38, chr1:235,809,869, plus strand): 5'-CTGACAGAAGATGCAACACTGTTCGAAAGAGCATCCTTTGAATCAAAGCCACCGGTTCTT[C>T]GGTCCAACCTGCAGAAACTACTCGACTCTCCAAGTTGTCGCTCAGACTGCAGCAGTCCCC-3'
Protein context (NP_000072.2, residues 307-327): ESRVVSAGWT[Glu317Lys]EPVALIQRML

ClinVar aggregate classification (germline): Uncertain significance. Review status: criteria provided, multiple submitters, no conflicts (2 of 4 stars). 7 submissions from 7 submitters: Uncertain significance (7). Last evaluated 2026-02-11.

Conditions:
Inborn genetic diseases. Identifiers: MedGen C0950123, MeSH D030342.
Chédiak-Higashi syndrome (CHS). Also called: Chediak-Higashi Syndrome. Identifiers: Orphanet 167, MedGen C0007965, MONDO:0008963, OMIM 214500.
Optic neuropathy. Also called: Optic nerve disorder. Identifiers: MedGen C3887709, MONDO:0002135, HP:0001138.

Allele frequency attached by ClinVar (database versions not stated): ESP Exome Variant Server 0.00015; gnomAD exomes 0.00003 and 0.00005; TOPMed 0.00006; ExAC 0.00007; gnomAD 0.00007 and 0.00008.
gnomAD v4.1: 56 of 1,613,962 alleles (0.0035%); highest among the groups gnomAD compares: Middle Eastern, 0.28%; no homozygotes.

Submissions (7):

Women's Health and Genetics/Laboratory Corporation of America, LabCorp
Classification: Uncertain significance. Last evaluated: 2026-02-11. Review status: criteria provided, single submitter. Criteria: LabCorp Variant Classification Summary - May 2015. Collection method: clinical testing. Allele origin: germline.
Comment: Variant summary: LYST c.949G>A (p.Glu317Lys) results in a conservative amino acid change in the encoded protein sequence. Algorithms developed to predict the effect of missense changes on protein structure and function are either unavailable or do not agree on the potential impact of this missense change. The variant allele was found at a frequency of 4.8e-05 in 250356 control chromosomes. This frequency is not significantly higher than estimated for disease-causing variants in LYST, allowing no conclusion about variant significance. To our knowledge, no occurrence of c.949G>A in individuals affected with LYST-related conditions and no experimental evidence demonstrating its impact on protein function have been reported. ClinVar contains an entry for this variant (Variation ID: 801637). Based on the evidence outlined above, the variant was classified as uncertain significance.

Blueprint Genetics
Classification: Uncertain significance. Last evaluated: 2024-04-11. Review status: criteria provided, single submitter. Criteria: ACMG Guidelines, 2015. Collection method: clinical testing. Allele origin: germline.

Labcorp Genetics (formerly Invitae), Labcorp
Classification: Uncertain significance for Chédiak-Higashi syndrome. Last evaluated: 2022-07-12. Review status: criteria provided, single submitter. Criteria: Invitae Variant Classification Sherloc (09022015). Collection method: clinical testing. Allele origin: germline.
Comment: This sequence change replaces glutamic acid, which is acidic and polar, with lysine, which is basic and polar, at codon 317 of the LYST protein (p.Glu317Lys). This variant is present in population databases (rs201337542, gnomAD 0.01%). This variant has not been reported in the literature in individuals affected with LYST-related conditions. ClinVar contains an entry for this variant (Variation ID: 801637). Algorithms developed to predict the effect of missense changes on protein structure and function are either unavailable or do not agree on the potential impact of this missense change (SIFT: "Deleterious"; PolyPhen-2: "Probably Damaging"; Align-GVGD: "Class C0"). In summary, the available evidence is currently insufficient to determine the role of this variant in disease. Therefore, it has been classified as a Variant of Uncertain Significance.

DBGen Ocular Genomics
Classification: Uncertain significance for Optic neuropathy. Last evaluated: 2021-06-18. Review status: criteria provided, single submitter. Criteria: ACMG Guidelines, 2015. Collection method: clinical testing. Allele origin: germline. Affected: yes. Observed: 1 variant allele.

Ambry Genetics
Classification: Uncertain significance for Inborn genetic diseases. Last evaluated: 2021-03-16. Review status: criteria provided, single submitter. Criteria: Ambry Variant Classification Scheme 2023. Collection method: clinical testing. Allele origin: germline.
Comment: The c.949G>A (p.E317K) alteration is located in exon 5 (coding exon 3) of the LYST gene. This alteration results from a G to A substitution at nucleotide position 949, causing the glutamic acid (E) at amino acid position 317 to be replaced by a lysine (K). The p.E317K alteration is predicted to be tolerated by in silico analysis. Based on insufficient or conflicting evidence, the clinical significance of this alteration remains unclear.

Revvity Omics, Revvity
Classification: Uncertain significance for Chédiak-Higashi syndrome. Last evaluated: 2019-06-12. Review status: criteria provided, single submitter. Criteria: ACMG Guidelines, 2015. Collection method: clinical testing. Allele origin: germline.

Mendelics
Classification: Uncertain significance for Chédiak-Higashi syndrome. Last evaluated: 2019-05-28. Review status: criteria provided, single submitter. Criteria: Mendelics Assertion Criteria 2017. Collection method: clinical testing. Allele origin: unknown.